The following is an entry in ClinVar:

ClinVar aggregate classification (germline): Uncertain significance (1 of 4 stars; one submission).

Allele frequency attached by ClinVar (database versions not stated): gnomAD exomes below 0.00001.
gnomAD v4.1: 2 of 1,607,702 alleles (0.00012%); highest among the groups gnomAD compares: Non-Finnish European, 0.00017%; no homozygotes.

Submission:

GeneDx
Classification: Uncertain significance. Last evaluated: 2020-10-15. Review status: criteria provided, single submitter. Criteria: GeneDx Variant Classification Process June 2021. Collection method: clinical testing. Allele origin: germline. Affected: yes.
Comment: Not observed in large population cohorts (Lek et al., 2016); In silico analysis supports that this missense variant has a deleterious effect on protein structure/function; Has not been previously published as pathogenic or benign to our knowledge

NM_182943.3(PLOD2):c.1348G>A (p.Gly450Arg)

Gene: PLOD2 (procollagen-lysine,2-oxoglutarate 5-dioxygenase 2; minus strand). Cytogenetic location: 3q24.
Variant type: single nucleotide variant.
Coding change: c.1348G>A on transcript NM_182943.3 (MANE Select); coding-DNA position 1348, G replaced by A.
Protein change: p.Gly450Arg; replaces glycine 450 with arginine.
Molecular consequence: missense variant.
Genome position (GRCh38, 1-based): chr3:146,081,748, C>T on the plus strand (G>A on the coding strand, the complement: PLOD2 is on the minus strand). VCF-style: chr3-146081748-C-T. GRCh37 (hg19) VCF-style: chr3-145799535-C-T.
Other names: c.1348G>A, p.Gly450Arg (NM_000935.3); short protein forms G450R.
Identifiers: ClinVar variation 1313306 (VCV001313306.2), dbSNP rs2108010830, ClinGen allele CA354889450.